The following is an entry in ClinVar:

ClinVar aggregate classification (germline): Uncertain significance (1 of 4 stars; one submission).

Submission:

Labcorp Genetics (formerly Invitae), Labcorp
Classification: Uncertain significance. Last evaluated: 2025-01-01. Review status: criteria provided, single submitter. Criteria: Invitae Variant Classification Sherloc (09022015). Collection method: clinical testing. Allele origin: germline.
Comment: This sequence change replaces glycine, which is neutral and non-polar, with serine, which is neutral and polar, at codon 49 of the KRT14 protein (p.Gly49Ser). This variant is present in population databases (rs768837237, gnomAD 0.03%). This variant has not been reported in the literature in individuals affected with KRT14-related conditions. Invitae Evidence Modeling of protein sequence and biophysical properties (such as structural, functional, and spatial information, amino acid conservation, physicochemical variation, residue mobility, and thermodynamic stability) indicates that this missense variant is not expected to disrupt KRT14 protein function with a negative predictive value of 95%. In summary, the available evidence is currently insufficient to determine the role of this variant in disease. Therefore, it has been classified as a Variant of Uncertain Significance.

NM_000526.5(KRT14):c.145G>A (p.Gly49Ser)

Gene: KRT14 (keratin 14; minus strand). Cytogenetic location: 17q21.2.
Variant type: single nucleotide variant.
Coding change: c.145G>A on transcript NM_000526.5 (MANE Select); coding-DNA position 145, G replaced by A.
Protein change: p.Gly49Ser; replaces glycine 49 with serine.
Molecular consequence: missense variant.
Genome position (GRCh38, 1-based): chr17:41,586,690, C>T on the plus strand (G>A on the coding strand, the complement: KRT14 is on the minus strand). VCF-style: chr17-41586690-C-T. GRCh37 (hg19) VCF-style: chr17-39742942-C-T.
Other names: short protein forms G49S.
Identifiers: ClinVar variation 3664597 (VCV003664597.2).
Genomic context (GRCh38, chr17:41,586,690, plus strand): 5'-AGCCGCCCCCCAGCCCGCAGGCTCCCCCAGAGGAGAAGCGGGAGGATGAGACAGACAGGC[C>T]GCCCCCGTAGGTGCTGGGGGCGCGGCAGGACCCTCCGGCCAGGACGGAGGAGATGCGGCT-3'
Protein context (NP_000517.3, residues 39-59): SCRAPSTYGG[Gly49Ser]LSVSSSRFSS